The following is an entry in ClinVar:

ClinVar aggregate classification (germline): Likely pathogenic (1 of 4 stars; one submission).

Allele frequency attached by ClinVar (database versions not stated): TOPMed below 0.00001.

Submission:

Labcorp Genetics (formerly Invitae), Labcorp
Classification: Likely pathogenic. Last evaluated: 2022-06-10. Review status: criteria provided, single submitter. Criteria: Invitae Variant Classification Sherloc (09022015). Collection method: clinical testing. Allele origin: germline.
Comment: In summary, the currently available evidence indicates that the variant is pathogenic, but additional data are needed to prove that conclusively. Therefore, this variant has been classified as Likely Pathogenic. Advanced modeling of protein sequence and biophysical properties (such as structural, functional, and spatial information, amino acid conservation, physicochemical variation, residue mobility, and thermodynamic stability) performed at Invitae indicates that this missense variant is expected to disrupt LRP2 protein function. This missense change has been observed in individual(s) with clinical features of Donnai-Barrow syndrome (Invitae). In at least one individual the data is consistent with being in trans (on the opposite chromosome) from a pathogenic variant. This variant is not present in population databases (gnomAD no frequency). This sequence change replaces arginine, which is basic and polar, with proline, which is neutral and non-polar, at codon 720 of the LRP2 protein (p.Arg720Pro).

NM_004525.3(LRP2):c.2159G>C (p.Arg720Pro)

Gene: LRP2 (LDL receptor related protein 2; minus strand). Cytogenetic location: 2q31.1.
Variant type: single nucleotide variant.
Coding change: c.2159G>C on transcript NM_004525.3 (MANE Select); coding-DNA position 2159, G replaced by C.
Protein change: p.Arg720Pro; replaces arginine 720 with proline.
Molecular consequence: missense variant.
Genome position (GRCh38, 1-based): chr2:169,271,065, C>G on the plus strand (G>C on the coding strand, the complement: LRP2 is on the minus strand). VCF-style: chr2-169271065-C-G. GRCh37 (hg19) VCF-style: chr2-170127575-C-G.
Other names: short protein forms R720P.
Identifiers: ClinVar variation 2088879 (VCV002088879.4), dbSNP rs1416667283, ClinGen allele CA349162981.